The following is an entry in ClinVar:

NM_002834.5(PTPN11):c.332+17T>G

Gene: PTPN11 (protein tyrosine phosphatase non-receptor type 11; plus strand). Cytogenetic location: 12q24.13.
Variant type: single nucleotide variant.
Coding change: c.332+17T>G on transcript NM_002834.5 (MANE Select); 17 bases into the intron after coding-DNA position 332, T replaced by G.
Molecular consequence: intron variant.
Genome position (GRCh38, 1-based): chr12:112,450,529, T>G. VCF-style: chr12-112450529-T-G. GRCh37 (hg19) VCF-style: chr12-112888333-T-G.
Other names: c.332+17T>G (NM_001330437.2, NM_080601.3); c.329+17T>G (NM_001374625.1).
Identifiers: ClinVar variation 40509 (VCV000040509.16), dbSNP rs115658366, ClinGen allele CA185961.

ClinVar aggregate classification (germline): Benign/Likely benign. Review status: criteria provided, multiple submitters, no conflicts (2 of 4 stars). 7 submissions from 7 submitters: Benign (5); Likely benign (1). 1 of the submissions does not count toward it. Last evaluated 2026-02-01.

Conditions:
RASopathy. Also called: rasopathies; Noonan spectrum disorder. Identifiers: Orphanet 536391, MedGen C5555857, MONDO:0021060.

Allele frequency attached by ClinVar (database versions not stated): gnomAD exomes 0.00045 and 0.00089; ExAC 0.00094; 1000 Genomes Project 0.00200; 1000 Genomes Project 30x 0.00219; gnomAD 0.00243 and 0.00257; TOPMed 0.00283; ESP Exome Variant Server 0.00308.
gnomAD v4.1: 1,078 of 1,610,806 alleles (0.067%); highest among the groups gnomAD compares: African/African-American, 0.73%; 3 homozygotes.

Submissions (7):

Labcorp Genetics (formerly Invitae), Labcorp
Classification: Benign for RASopathy. Last evaluated: 2026-02-01. Review status: criteria provided, single submitter. Criteria: Invitae Variant Classification Sherloc (09022015). Collection method: clinical testing. Allele origin: germline.

Blueprint Genetics
Classification: Likely benign. Last evaluated: 2024-10-15. Review status: criteria provided, single submitter. Criteria: ACMG Guidelines, 2015. Collection method: clinical testing. Allele origin: germline.

ARUP Laboratories, Molecular Genetics and Genomics, ARUP Laboratories
Classification: Benign. Last evaluated: 2024-07-10. Review status: criteria provided, single submitter. Criteria: ARUP Molecular Germline Variant Investigation Process 2024. Collection method: clinical testing. Allele origin: germline.

Women's Health and Genetics/Laboratory Corporation of America, LabCorp
Classification: Benign. Last evaluated: 2020-06-22. Review status: criteria provided, single submitter. Criteria: LabCorp Variant Classification Summary - May 2015. Collection method: clinical testing. Allele origin: germline.
Comment: Variant summary: PTPN11 c.332+17T>G alters a non-conserved nucleotide located close to a canonical splice site and therefore could affect mRNA splicing, leading to a significantly altered protein sequence. 4/4 computational tools predict no significant impact on normal splicing. However, these predictions have yet to be confirmed by functional studies. The variant allele was found at a frequency of 0.00089 in 250870 control chromosomes, predominantly at a frequency of 0.0071 within the African or African-American subpopulation in the gnomAD database, including 1 homozygote. The observed variant frequency within African or African-American control individuals in the gnomAD database is approximately 114-fold of the estimated maximal expected allele frequency for a pathogenic variant in PTPN11 causing Noonan Syndrome And Related Conditions phenotype (6.3e-05), strongly suggesting that the variant is a benign polymorphism found primarily in populations of African or African-American origin. A ClinVar submitter (evaluation after 2014) cites the variant as benign. Based on the evidence outlined above, the variant was classified as benign.

Breakthrough Genomics
Classification: Benign. Review status: criteria provided, single submitter. Criteria: ACMG Guidelines, 2015. Collection method: not provided. Allele origin: germline. Inheritance: Autosomal dominant inheritance. Affected: yes.

GeneDx
Classification: Benign for Rasopathy. Review status: criteria provided, single submitter. Criteria: GeneDx Variant Classification (06012015). Collection method: clinical testing. Allele origin: unknown.
ClinVar note: Converted during submission from POLY to Benign.

Greenwood Genetic Center Diagnostic Laboratories, Greenwood Genetic Center
Classification: Benign. Last evaluated: 2015-01-15. Review status: no assertion criteria provided. Collection method: clinical testing. Allele origin: germline. Not counted in ClinVar's aggregate classification.

Literature cited by the submitters: PubMed 15385933 (cited by Women's Health and Genetics/Laboratory Corporation of America, LabCorp); PubMed 14644997 (cited by Women's Health and Genetics/Laboratory Corporation of America, LabCorp); PubMed 19047918 (cited by Women's Health and Genetics/Laboratory Corporation of America, LabCorp); PubMed 17972951 (cited by Women's Health and Genetics/Laboratory Corporation of America, LabCorp); PubMed 25395418 (cited by Women's Health and Genetics/Laboratory Corporation of America, LabCorp); PubMed 27069254 (cited by Women's Health and Genetics/Laboratory Corporation of America, LabCorp).